The following is an entry in ClinVar:

NM_182641.4(BPTF):c.8027C>G (p.Ala2676Gly)

Gene: BPTF (bromodomain PHD finger transcription factor; plus strand). Cytogenetic location: 17q24.2.
Variant type: single nucleotide variant.
Coding change: c.8027C>G on transcript NM_182641.4 (MANE Select); coding-DNA position 8027, C replaced by G.
Protein change: p.Ala2676Gly; replaces alanine 2676 with glycine.
Molecular consequence: missense variant.
Genome position (GRCh38, 1-based): chr17:67,959,641, C>G. VCF-style: chr17-67959641-C-G. GRCh37 (hg19) VCF-style: chr17-65955757-C-G.
Other names: c.7976C>G, p.Ala2659Gly (NM_004459.7); short protein forms A2659G, A2676G.
Identifiers: ClinVar variation 2015065 (VCV002015065.4), dbSNP rs782797376, ClinGen allele CA8726487.

ClinVar aggregate classification (germline): Uncertain significance (1 of 4 stars; one submission).

Allele frequency attached by ClinVar (database versions not stated): gnomAD exomes 0.00001; ExAC 0.00003.
gnomAD v4.1: 3 of 1,601,296 alleles (0.00019%); highest among the groups gnomAD compares: Admixed American, 0.0052%; no homozygotes.

Submission:

Labcorp Genetics (formerly Invitae), Labcorp
Classification: Uncertain significance. Last evaluated: 2022-11-22. Review status: criteria provided, single submitter. Criteria: Invitae Variant Classification Sherloc (09022015). Collection method: clinical testing. Allele origin: germline.
Comment: This sequence change replaces alanine, which is neutral and non-polar, with glycine, which is neutral and non-polar, at codon 2659 of the BPTF protein (p.Ala2659Gly). This variant is present in population databases (rs782797376, gnomAD 0.01%). This variant has not been reported in the literature in individuals affected with BPTF-related conditions. Algorithms developed to predict the effect of missense changes on protein structure and function (SIFT, PolyPhen-2, Align-GVGD) all suggest that this variant is likely to be tolerated. In summary, the available evidence is currently insufficient to determine the role of this variant in disease. Therefore, it has been classified as a Variant of Uncertain Significance.